The following is an entry in ClinVar:

ClinVar aggregate classification (germline): Benign/Likely benign. Review status: criteria provided, multiple submitters, no conflicts (2 of 4 stars). 10 submissions from 9 submitters: Benign (7); Likely benign (3). Last evaluated 2026-02-02.

Conditions:
Spherocytosis. Identifiers: MedGen C0553720, HP:0004444.
Hereditary spherocytosis type 1. Also called: Spherocytosis type 1; ANK1-Related Spherocytosis. Identifiers: Orphanet 822, MedGen C2674218, MONDO:0008447, OMIM 182900.

Allele frequency attached by ClinVar (database versions not stated): 1000 Genomes Project 0.02436; gnomAD exomes 0.04615 and 0.05464; ExAC 0.04640; 1000 Genomes Project 30x 0.02577; TOPMed 0.04056; ESP Exome Variant Server 0.04306; gnomAD 0.04308 and 0.04455.
gnomAD v4.1: 85,991 of 1,613,518 alleles (5.3%); highest among the groups gnomAD compares: Admixed American, 6.1%; 2,644 homozygotes.

Submissions (10):

Labcorp Genetics (formerly Invitae), Labcorp
Classification: Benign. Last evaluated: 2026-02-02. Review status: criteria provided, single submitter. Criteria: Invitae Variant Classification Sherloc (09022015). Collection method: clinical testing. Allele origin: germline.

ARUP Laboratories, Molecular Genetics and Genomics, ARUP Laboratories
Classification: Benign for Hereditary spherocytosis type 1. Last evaluated: 2025-07-01. Review status: criteria provided, single submitter. Criteria: ARUP Molecular Germline Variant Investigation Process 2024. Collection method: clinical testing. Allele origin: germline.

Blueprint Genetics
Classification: Likely benign. Last evaluated: 2024-11-26. Review status: criteria provided, single submitter. Criteria: ACMG Guidelines, 2015. Collection method: clinical testing. Allele origin: germline.

Mayo Clinic Laboratories, Mayo Clinic
Classification: Benign. Last evaluated: 2022-05-16. Review status: criteria provided, single submitter. Criteria: ACMG Guidelines, 2015. Collection method: clinical testing. Allele origin: germline. Observed: 177 variant alleles.
Comment: BA1, BP4, BP7

Genome-Nilou Lab
Classification: Benign for Hereditary spherocytosis type 1. Last evaluated: 2021-12-05. Review status: criteria provided, single submitter. Criteria: ACMG Guidelines, 2015. Collection method: clinical testing. Allele origin: germline. Affected: no.

GeneDx
Classification: Benign. Last evaluated: 2018-11-10. Review status: criteria provided, single submitter. Criteria: GeneDx Variant Classification Process June 2021. Collection method: clinical testing. Allele origin: germline. Affected: yes.

Illumina Laboratory Services, Illumina
Classification: Benign for Hereditary spherocytosis type 1. Last evaluated: 2018-01-12. Review status: criteria provided, single submitter. Criteria: ICSL Variant Classification Criteria 13 December 2019. Collection method: clinical testing. Allele origin: germline.
Comment: This variant was observed in the ICSL laboratory as part of a predisposition screen in an ostensibly healthy population. It had not been previously curated by ICSL or reported in the Human Gene Mutation Database (HGMD: prior to June 1st, 2018), and was therefore a candidate for classification through an automated scoring system. Utilizing variant allele frequency, disease prevalence and penetrance estimates, and inheritance mode, an automated score was calculated to assess if this variant is too frequent to cause the disease. Based on the score and internal cut-off values, a variant classified as benign is not then subjected to further curation. The score for this variant resulted in a classification of benign for this disease.

Illumina Laboratory Services, Illumina
Classification: Likely benign for Spherocytosis. Last evaluated: 2018-01-12. Review status: criteria provided, single submitter. Criteria: ICSL Variant Classification Criteria 13 December 2019. Collection method: clinical testing. Allele origin: germline.
Comment: This variant was observed in the ICSL laboratory as part of a predisposition screen in an ostensibly healthy population. It had not been previously curated by ICSL or reported in the Human Gene Mutation Database (HGMD: prior to June 1st, 2018), and was therefore a candidate for classification through an automated scoring system. Utilizing variant allele frequency, disease prevalence and penetrance estimates, and inheritance mode, an automated score was calculated to assess if this variant is too frequent to cause the disease. Based on the score and internal cut-off values, a variant classified as likely benign is not then subjected to further curation. The score for this variant resulted in a classification of likely benign for this disease.

Breakthrough Genomics
Classification: Likely benign. Review status: criteria provided, single submitter. Criteria: ACMG Guidelines, 2015. Collection method: not provided. Allele origin: germline. Inheritance: Autosomal dominant inheritance. Affected: yes.

PreventionGenetics, part of Exact Sciences
Classification: Benign. Review status: criteria provided, single submitter. Criteria: ACMG Guidelines, 2015. Collection method: clinical testing. Allele origin: germline.

NM_000037.4(ANK1):c.450A>G (p.Val150=)

Genes: ANK1 (ankyrin 1; minus strand), LOC124153154 (Sharpr-MPRA regulatory region 1462; plus strand). Cytogenetic location: 8p11.21.
Variant type: single nucleotide variant.
Coding change: c.450A>G on transcript NM_000037.4 (MANE Select); coding-DNA position 450, A replaced by G.
Protein change: p.Val150=; no amino-acid change (valine 150 retained).
Molecular consequence: synonymous variant.
Genome position (GRCh38, 1-based): chr8:41,725,923, T>C on the plus strand (A>G on the coding strand, the complement: ANK1 is on the minus strand). VCF-style: chr8-41725923-T-C. GRCh37 (hg19) VCF-style: chr8-41583441-T-C.
Other names: p.Val150=; c.549A>G, p.Val183= (NM_001142446.2); c.450A>G, p.Val150= (NM_020475.3, NM_020476.3, NM_020477.3).
Identifiers: ClinVar variation 261313 (VCV000261313.32), dbSNP rs6982971, ClinGen allele CA4728968.